The following is an entry in ClinVar:

ClinVar aggregate classification (germline): Likely pathogenic. Review status: criteria provided, single submitter (1 of 4 stars). 2 submissions from 2 submitters: Likely pathogenic (1). 1 of the submissions does not count toward it. Last evaluated 2025-09-15.

Conditions:
Lipoic acid synthetase deficiency. Also called: HYPERGLYCINEMIA, LACTIC ACIDOSIS, AND SEIZURES. Identifiers: Orphanet 401859, MedGen C3280887, MONDO:0013762, OMIM 614462.

Submissions (2):

First Genomix Gene Laboratory, Genetic Diagnostics Department
Classification: Likely pathogenic for Lipoic acid synthetase deficiency. Last evaluated: 2025-09-15. Review status: criteria provided, single submitter. Criteria: ACMG Guidelines, 2015. Collection method: clinical testing. Allele origin: germline. Inheritance: Autosomal recessive inheritance. Affected: no. Observed: 1 variant allele.

Center for Molecular Medicine, Children’s Hospital of Fudan University
Classification: Likely pathogenic for Lipoic acid synthetase deficiency. Last evaluated: 2020-07-07. Review status: no assertion criteria provided. Collection method: clinical testing. Allele origin: maternal. Affected: yes. Not counted in ClinVar's aggregate classification.

NM_006859.4(LIAS):c.587C>A (p.Thr196Asn)

Gene: LIAS (lipoic acid synthetase; plus strand). Cytogenetic location: 4p14.
Variant type: single nucleotide variant.
Coding change: c.587C>A on transcript NM_006859.4 (MANE Select); coding-DNA position 587, C replaced by A.
Protein change: p.Thr196Asn; replaces threonine 196 with asparagine.
Molecular consequence: missense variant. On other transcripts: intron variant (1).
Genome position (GRCh38, 1-based): chr4:39,465,321, C>A. VCF-style: chr4-39465321-C-A. GRCh37 (hg19) VCF-style: chr4-39466941-C-A.
Other names: c.587C>A, p.Thr196Asn (NM_001278590.2, NM_194451.3); c.299+1716C>A (NM_001363700.2); short protein forms T196N.
Identifiers: ClinVar variation 978713 (VCV000978713.4), dbSNP rs1744715983, ClinGen allele CA356664771.